The following is an entry in ClinVar:

ClinVar aggregate classification (germline): Likely benign (1 of 4 stars; one submission).

Allele frequency attached by ClinVar (database versions not stated): 1000 Genomes Project 30x 0.00281; 1000 Genomes Project 0.00319; gnomAD 0.00325; TOPMed 0.00390.
gnomAD v4.1: 535 of 151,994 alleles (0.35%); highest among the groups gnomAD compares: African/African-American, 1.2%; 3 homozygotes.

Submission:

GeneDx
Classification: Likely benign. Last evaluated: 2018-06-14. Review status: criteria provided, single submitter. Criteria: GeneDx Variant Classification (06012015). Collection method: clinical testing. Allele origin: germline. Affected: yes.
Comment: This variant is considered likely benign or benign based on one or more of the following criteria: it is a conservative change, it occurs at a poorly conserved position in the protein, it is predicted to be benign by multiple in silico algorithms, and/or has population frequency not consistent with disease.

NM_000540.3(RYR1):c.1123-318C>T

Gene: RYR1 (ryanodine receptor 1; plus strand). Cytogenetic location: 19q13.2.
Variant type: single nucleotide variant.
Coding change: c.1123-318C>T on transcript NM_000540.3 (MANE Select); 318 bases into the intron before coding-DNA position 1123, C replaced by T.
Molecular consequence: intron variant.
Genome position (GRCh38, 1-based): chr19:38,451,446, C>T. VCF-style: chr19-38451446-C-T. GRCh37 (hg19) VCF-style: chr19-38942086-C-T.
Other names: c.1123-318C>T (NM_001042723.2).
Identifiers: ClinVar variation 672475 (VCV000672475.1), dbSNP rs151189125, ClinGen allele CA308119388.
Genomic context (GRCh38, chr19:38,451,446, plus strand): 5'-GGTTAGAGCTTTCTGGTCGGGGGGAATGTTAAGTCAGCAGTAGGTACAGGTGGAAAGGGT[C>T]TGGCCTGGAGACAGAGACAGGAAGGAGATAGGGATAGAGAGATAGAGAGGGAGAGGCAGG-3'